The following is an entry in ClinVar:

NM_003742.4(ABCB11):c.2086C>T (p.Arg696Trp)

Gene: ABCB11 (ATP binding cassette subfamily B member 11; minus strand). Cytogenetic location: 2q31.1.
Variant type: single nucleotide variant.
Coding change: c.2086C>T on transcript NM_003742.4 (MANE Select); coding-DNA position 2086, C replaced by T.
Protein change: p.Arg696Trp; replaces arginine 696 with tryptophan.
Molecular consequence: missense variant.
Genome position (GRCh38, 1-based): chr2:168,964,298, G>A on the plus strand (C>T on the coding strand, the complement: ABCB11 is on the minus strand). VCF-style: chr2-168964298-G-A. GRCh37 (hg19) VCF-style: chr2-169820808-G-A.
Other names: NM_003742.4(ABCB11):c.2086C>T; p.Arg696Trp; short protein forms R696W.
Identifiers: ClinVar variation 1705084 (VCV001705084.13), dbSNP rs376216286, ClinGen allele CA1951369.

ClinVar aggregate classification (germline): Conflicting classifications of pathogenicity. Review status: criteria provided, conflicting classifications (1 of 4 stars). 7 submissions from 7 submitters: Likely pathogenic (3); Uncertain significance (4). Last evaluated 2026-04-14.

Conditions:
Familial intrahepatic cholestasis. Identifiers: Orphanet 284385, MedGen CN296401, MONDO:0017290.
Benign recurrent intrahepatic cholestasis type 2 (BRIC2). Also called: Recurrent familial intrahepatic cholestasis 2. Identifiers: Orphanet 65682, Orphanet 99961, MedGen C2608083, MONDO:0011559, OMIM 605479.
Progressive familial intrahepatic cholestasis type 2. Identifiers: Orphanet 79304, MedGen C3489789, MONDO:0011156, OMIM 601847.
ABCB11-related disorder. Also called: ABCB11-related condition.

Allele frequency attached by ClinVar (database versions not stated): ESP Exome Variant Server 0.00008.

Submissions (7):

Genomenon, Inc
Classification: Uncertain significance for Familial intrahepatic cholestasis. Last evaluated: 2026-04-14. Review status: criteria provided, single submitter. Criteria: Genomenon Sequence Variant Interpretation Standards - Updated. Collection method: curation. Allele origin: germline. Affected: yes.
Comment: ABCB11 p.Arg696Trp (c.2086C>T) is a missense variant that changes the amino acid at residue 696 from Arginine to Tryptophan. This variant has been observed in at least one proband with an ABCB11-related disorder (PMID:32942997;32808743;32309332;24969679). It is absent or not present at a significant frequency in gnomAD. In silico models predict that this variant is possibly or probably damaging. In conclusion, we classify ABCB11 p.Arg696Trp (c.2086C>T) as a variant of uncertain significance.

PreventionGenetics, part of Exact Sciences
Classification: Likely pathogenic for ABCB11-related condition. Last evaluated: 2026-02-04. Review status: criteria provided, single submitter. Criteria: ACMG Guidelines, 2015. Collection method: clinical testing. Allele origin: germline.
Comment: The ABCB11 c.2086C>T variant is predicted to result in the amino acid substitution p.Arg696Trp. This variant was reported in a child with intrahepatic cholestasis (Table 3, Hu et al. 2014. PubMed ID: 24969679) and in at least one individual with intrahepatic cholestasis of pregnancy (Table S3, Liu et al. 2022. PubMed ID: 36046230; Table 2, Liu et al. 2020. PubMed ID: 32942997). In addition, it was reported with a second ABCB11 variant in patients with neonatal cholestasis (Table 1, Li et al. 2020. PubMed ID: 32808743) or progressive familial intrahepatic cholestasis type 2 (Table S1, Liu et al. 2020. PubMed ID: 32309332). This variant is reported in 0.017% of alleles in individuals of South Asian descent in gnomAD. This variant is interpreted as likely pathogenic.

Dasa
Classification: Uncertain significance. Last evaluated: 2025-12-05. Review status: criteria provided, single submitter. Criteria: DASA Assertion Criteria. Collection method: clinical testing. Allele origin: germline.
Comment: NM_003742.4(ABCB11):c.2086C>T (p.Arg696Trp) is a missense variant that results in the substitution of arginine with tryptophan. This variant has been reported in individuals with ABCB11-related disorders (PMID: 32309332). Also, this variant is rare in population databases. Computational prediction algorithms are consistent with a deleterious effect. The currently available literature and clinical evidence are not sufficient to establish a definitive association between this variant and the reported condition. Therefore, this variant is classified as a variant of uncertain significance.

Natera, Inc.
Classification: Likely pathogenic for Progressive familial intrahepatic cholestasis type 2. Last evaluated: 2025-09-26. Review status: criteria provided, single submitter. Criteria: Natera Variant Classification Schema (03/2026). Collection method: clinical testing. Allele origin: germline.
Comment: The c.2086C>T variant in ABCB11 is a missense variant predicted to cause substitution of arginine to tryptophan at amino acid 696. This variant is rare in the general population with a frequency below the threshold expected for the associated phenotype(s). This variant has been observed in one or more individuals affected with the associated recessive disease, as either homozygous or compound heterozygous with a second variant (PMID: 32309332). This variant has been identified in one or more affected individuals with a phenotype highly consistent with the associated gene (PMID: 32808743). Computational prediction algorithms indicate this variant is likely to affect gene or protein function. Given the available evidence, this variant is classified as Likely Pathogenic.

Broad Center for Mendelian Genomics, Broad Institute of MIT and Harvard
Classification: Uncertain significance for Progressive familial intrahepatic cholestasis type 2. Last evaluated: 2025-01-24. Review status: criteria provided, single submitter. Criteria: ACMG Guidelines, 2015. Collection method: curation. Allele origin: germline. Inheritance: Autosomal recessive inheritance.
Comment: The p.Arg696Trp variant in ABCB11 has been previously reported in three individuals with BSEP deficiency (PMID: 24969679, 32309332, 32808743), and has been identified in 0.01% (5/42198) of East Asian chromosomes by the Genome Aggregation Database (gnomAD; dbSNP rs376216286). Although this variant has been seen in the general population in a heterozygous state, its frequency is low enough to be consistent with a recessive carrier frequency. This variant has also been reported in ClinVar (Variation ID: 1705084) and has been interpreted as a variant of uncertain significance by Women's Health and Genetics/Laboratory Corporation of America (LabCorp). Of the 3 affected individuals, 1 was a compound heterozygote that carried a reported likely pathogenic variant with unknown phase and 1 was a compound heterozygote that carried a variant of uncertain significance in trans, which increases the likelihood that the p.Arg696Trp variant is pathogenic (Variation ID: 290081; PMID: 32808743, 32309332). Computational prediction tools and conservation analyses suggest that this variant may impact the protein, though this information is not predictive enough to determine pathogenicity. In summary, the clinical significance of the p.Arg696Trp variant is uncertain. ACMG/AMP Criteria applied: PP3_moderate, PM2_supporting, PM3_supporting (Richards 2015).

Baylor Genetics
Classification: Likely pathogenic for Benign recurrent intrahepatic cholestasis type 2. Last evaluated: 2024-02-29. Review status: criteria provided, single submitter. Criteria: ACMG Guidelines, 2015. Collection method: clinical testing. Allele origin: unknown.

Women's Health and Genetics/Laboratory Corporation of America, LabCorp
Classification: Uncertain significance. Last evaluated: 2023-07-28. Review status: criteria provided, single submitter. Criteria: LabCorp Variant Classification Summary - May 2015. Collection method: clinical testing. Allele origin: germline.
Comment: Variant summary: ABCB11 c.2086C>T (p.Arg696Trp) results in a non-conservative amino acid change in the encoded protein sequence. Four of five in-silico tools predict a damaging effect of the variant on protein function. The variant allele was found at a frequency of 4.5e-05 in 177220 control chromosomes (gnomAD). c.2086C>T has been reported in the literature in compound heterozygous state in 2 children, affected with transient neonatal cholestasis and progressive familial intrahepatic cholestasis type 2 (PFIC2) (Liu_2020, Li_2020) and was also reported in heterozygous state in a child with diagnosis for PFIC2 (Hu_2014) and in cohort of patients affected with intrahepatic cholestasis of pregnancy (ICP), however without specifying the genotype of the affected individual(s) (Liu_2020). These data indicate that the variant may be associated with disease. To our knowledge, no experimental evidence demonstrating an impact on protein function has been reported. The following publications have been ascertained in the context of this evaluation (PMID: 32808743, 24969679, 32309332, 32942997). No submitters have cited clinical-significance assessments for this variant to ClinVar after 2014. Based on the evidence outlined above, the variant was classified as VUS-possibly pathogenic.

Literature cited by the submitters: PubMed 32942997 (cited by Genomenon, Inc and Women's Health and Genetics/Laboratory Corporation of America, LabCorp); PubMed 32808743 (cited by 3 submitters); PubMed 32309332 (cited by 4 submitters); PubMed 24969679 (cited by Genomenon, Inc and Women's Health and Genetics/Laboratory Corporation of America, LabCorp).